The following is an entry in ClinVar:

ClinVar aggregate classification (germline): Uncertain significance (1 of 4 stars; one submission).

Conditions:
Susceptibility to respiratory infections associated with CD8alpha chain mutation (IMD116). Also called: IMMUNODEFICIENCY 116; Cd8 deficiency, familial. Identifiers: Orphanet 169085, MedGen C1837065, MONDO:0012161, OMIM 608957.

Allele frequency attached by ClinVar (database versions not stated): gnomAD exomes below 0.00001.
gnomAD v4.1: 6 of 1,611,096 alleles (0.00037%); highest among the groups gnomAD compares: South Asian, 0.0055%; no homozygotes.

Submission:

Labcorp Genetics (formerly Invitae), Labcorp
Classification: Uncertain significance for Susceptibility to respiratory infections associated with CD8alpha chain mutation. Last evaluated: 2022-08-09. Review status: criteria provided, single submitter. Criteria: Invitae Variant Classification Sherloc (09022015). Collection method: clinical testing. Allele origin: germline.
Comment: This sequence change replaces leucine, which is neutral and non-polar, with arginine, which is basic and polar, at codon 46 of the CD8A protein (p.Leu46Arg). Algorithms developed to predict the effect of sequence changes on RNA splicing suggest that this variant may create or strengthen a splice site. Algorithms developed to predict the effect of missense changes on protein structure and function are either unavailable or do not agree on the potential impact of this missense change (SIFT: "Deleterious"; PolyPhen-2: "Benign"; Align-GVGD: "Class C45"). ClinVar contains an entry for this variant (Variation ID: 1471007). This variant has not been reported in the literature in individuals affected with CD8A-related conditions. This variant is present in population databases (no rsID available, gnomAD 0.003%). In summary, the available evidence is currently insufficient to determine the role of this variant in disease. Therefore, it has been classified as a Variant of Uncertain Significance.

NM_001768.7(CD8A):c.137T>G (p.Leu46Arg)

Gene: CD8A (CD8 subunit alpha; minus strand). Cytogenetic location: 2p11.2.
Variant type: single nucleotide variant.
Coding change: c.137T>G on transcript NM_001768.7 (MANE Select); coding-DNA position 137, T replaced by G.
Protein change: p.Leu46Arg; replaces leucine 46 with arginine.
Molecular consequence: missense variant. On other transcripts: non-coding transcript variant (3).
Genome position (GRCh38, 1-based): chr2:86,790,594, A>C on the plus strand (T>G on the coding strand, the complement: CD8A is on the minus strand). VCF-style: chr2-86790594-A-C. GRCh37 (hg19) VCF-style: chr2-87017717-A-C.
Other names: c.137T>G, p.Leu46Arg (NM_001145873.1, NM_001382698.1, NM_171827.4); short protein forms L46R.
Identifiers: ClinVar variation 1471007 (VCV001471007.8), dbSNP rs1297804955, ClinGen allele CA347577238.